The following is an entry in ClinVar:

ClinVar aggregate classification (germline): Uncertain significance (1 of 4 stars; one submission).

Conditions:
Neuronal ceroid lipofuscinosis 1 (CLN1). Also called: CEROID LIPOFUSCINOSIS, NEURONAL, 1, VARIABLE AGE AT ONSET; PPT1-Related Neuronal Ceroid-Lipofuscinosis. Identifiers: Orphanet 228329, MedGen C1850451, MONDO:0009744, OMIM 256730.

Allele frequency attached by ClinVar (database versions not stated): gnomAD exomes below 0.00001.

Submission:

Labcorp Genetics (formerly Invitae), Labcorp
Classification: Uncertain significance for Neuronal ceroid lipofuscinosis 1. Last evaluated: 2023-11-27. Review status: criteria provided, single submitter. Criteria: Invitae Variant Classification Sherloc (09022015). Collection method: clinical testing. Allele origin: germline.
Comment: This sequence change replaces alanine, which is neutral and non-polar, with threonine, which is neutral and polar, at codon 203 of the PPT1 protein (p.Ala203Thr). This variant is not present in population databases (gnomAD no frequency). This variant has not been reported in the literature in individuals affected with PPT1-related conditions. Advanced modeling of protein sequence and biophysical properties (such as structural, functional, and spatial information, amino acid conservation, physicochemical variation, residue mobility, and thermodynamic stability) has been performed at Invitae for this missense variant, however the output from this modeling did not meet the statistical confidence thresholds required to predict the impact of this variant on PPT1 protein function. In summary, the available evidence is currently insufficient to determine the role of this variant in disease. Therefore, it has been classified as a Variant of Uncertain Significance.

NM_000310.4(PPT1):c.607G>A (p.Ala203Thr)

Gene: PPT1 (palmitoyl-protein thioesterase 1; minus strand). Cytogenetic location: 1p34.2.
Variant type: single nucleotide variant.
Coding change: c.607G>A on transcript NM_000310.4 (MANE Select); coding-DNA position 607, G replaced by A.
Protein change: p.Ala203Thr; replaces alanine 203 with threonine.
Molecular consequence: missense variant.
Genome position (GRCh38, 1-based): chr1:40,080,417, C>T on the plus strand (G>A on the coding strand, the complement: PPT1 is on the minus strand). VCF-style: chr1-40080417-C-T. GRCh37 (hg19) VCF-style: chr1-40546089-C-T.
Other names: c.298G>A, p.Ala100Thr (NM_001142604.2); c.607G>A, p.Ala203Thr (NM_001363695.2); short protein forms A100T, A203T.
Identifiers: ClinVar variation 2918037 (VCV002918037.3), dbSNP rs2523642328, ClinGen allele CA339847624.
Genomic context (GRCh38, chr1:40,080,417, plus strand): 5'-AAAGAACGCACATCTATGGGAGCCCGGTTTGGGTGCTTACCCGCTCCTGATTTATATCTG[C>T]CAAGAAGATGCTGTGGTTGCGATACACATCCTCCTTTATGGGGTCATGCCAGTATTCGGC-3'
Protein context (NP_000301.1, residues 193-213): DVYRNHSIFL[Ala203Thr]DINQERGINE